The following is an entry in ClinVar:

NM_000123.4(ERCC5):c.2280C>T (p.Ile760=)

Genes: BIVM-ERCC5 (BIVM-ERCC5 readthrough; plus strand), ERCC5 (ERCC excision repair 5, endonuclease; plus strand), LOC126861834 (BRD4-independent group 4 enhancer GRCh37_chr13:103518038-103519237; plus strand). Cytogenetic location: 13q33.1.
Variant type: single nucleotide variant.
Coding change: c.2280C>T on transcript NM_000123.4 (MANE Select); coding-DNA position 2280, C replaced by T.
Protein change: p.Ile760=; no amino-acid change (isoleucine 760 retained).
Molecular consequence: synonymous variant.
Genome position (GRCh38, 1-based): chr13:102,866,342, C>T. VCF-style: chr13-102866342-C-T. GRCh37 (hg19) VCF-style: chr13-103518692-C-T.
Other names: c.3642C>T, p.Ile1214= (NM_001204425.2).
Identifiers: ClinVar variation 744000 (VCV000744000.32), dbSNP rs773823921, ClinGen allele CA7041581.

ClinVar aggregate classification (germline): Conflicting classifications of pathogenicity. Review status: criteria provided, conflicting classifications (1 of 4 stars). 3 submissions from 3 submitters: Uncertain significance (1); Likely benign (2). Last evaluated 2025-11-10.

Conditions:
Xeroderma pigmentosum, group G (XPG). Also called: XP, GROUP G; Xeroderma pigmentosum type 7; XERODERMA PIGMENTOSUM VII; ERCC5-Related Xeroderma Pigmentosum. Identifiers: MedGen C0268141, MONDO:0010216, OMIM 278780.

Allele frequency attached by ClinVar (database versions not stated): ExAC 0.00004; TOPMed 0.00004; gnomAD 0.00005; gnomAD exomes 0.00006.
gnomAD v4.1: 101 of 1,614,050 alleles (0.0063%); highest among the groups gnomAD compares: Middle Eastern, 0.016%; no homozygotes.

Submissions (3):

Labcorp Genetics (formerly Invitae), Labcorp
Classification: Likely benign. Last evaluated: 2025-11-10. Review status: criteria provided, single submitter. Criteria: Invitae Variant Classification Sherloc (09022015). Collection method: clinical testing. Allele origin: germline.

CeGaT Center for Human Genetics Tuebingen
Classification: Likely benign. Last evaluated: 2023-12-01. Review status: criteria provided, single submitter. Criteria: CeGaT Center For Human Genetics Tuebingen Variant Classification Criteria Version 2. Collection method: clinical testing. Allele origin: germline. Affected: yes. Observed: 2 variant alleles.
Comment: ERCC5: BP4, BP7

Illumina Laboratory Services, Illumina
Classification: Uncertain significance for Xeroderma pigmentosum, group G. Last evaluated: 2018-01-13. Review status: criteria provided, single submitter. Criteria: ICSL Variant Classification Criteria 13 December 2019. Collection method: clinical testing. Allele origin: germline.